The following is an entry in ClinVar:

ClinVar aggregate classification (germline): Uncertain significance (1 of 4 stars; one submission).

Submission:

Women's Health and Genetics/Laboratory Corporation of America, LabCorp
Classification: Uncertain significance. Last evaluated: 2024-11-14. Review status: criteria provided, single submitter. Criteria: LabCorp Variant Classification Summary - May 2015. Collection method: clinical testing. Allele origin: germline.
Comment: Variant summary: HBB c.14C>A (p.Thr5Asn) results in a non-conservative amino acid change located in the Globin domain (IPR000971) of the encoded protein sequence. Three of five in-silico tools predict a damaging effect of the variant on protein function. The variant was absent in 251132 control chromosomes. The available data on variant occurrences in the general population are insufficient to allow any conclusion about variant significance. c.14C>A has been reported in the literature in one individual affected with Type II Diabetes without haematological phenotypes (Bisse_2006). These report(s) do not provide unequivocal conclusions about association of the variant with Hemoglobinopathy. To our knowledge, no experimental evidence demonstrating an impact on protein function has been reported. The following publications have been ascertained in the context of this evaluation (PMID: 23457306, 16563404). No submitters have cited clinical-significance assessments for this variant to ClinVar. Based on the evidence outlined above, the variant was classified as uncertain significance.

Literature cited by the submitters: PubMed 16563404; PubMed 23457306.

NM_000518.5(HBB):c.14C>A (p.Thr5Asn)

Genes: HBB (hemoglobin subunit beta; minus strand), LOC106099062 (HBB recombination region; plus strand), LOC107133510 (origin of replication at HBB; plus strand). Cytogenetic location: 11p15.4.
Variant type: single nucleotide variant.
Coding change: c.14C>A on transcript NM_000518.5 (MANE Select); coding-DNA position 14, C replaced by A.
Protein change: p.Thr5Asn; replaces threonine 5 with asparagine.
Molecular consequence: missense variant.
Genome position (GRCh38, 1-based): chr11:5,227,008, G>T on the plus strand (C>A on the coding strand, the complement: HBB is on the minus strand). VCF-style: chr11-5227008-G-T. GRCh37 (hg19) VCF-style: chr11-5248238-G-T.
Other names: short protein forms T5N.
Identifiers: ClinVar variation 3629628 (VCV003629628.1).